The following is an entry in ClinVar:

NM_139057.4(ADAMTS17):c.2477C>T (p.Ser826Leu)

Gene: ADAMTS17 (ADAM metallopeptidase with thrombospondin type 1 motif 17; minus strand). Cytogenetic location: 15q26.3.
Variant type: single nucleotide variant.
Coding change: c.2477C>T on transcript NM_139057.4 (MANE Select); coding-DNA position 2477, C replaced by T.
Protein change: p.Ser826Leu; replaces serine 826 with leucine.
Molecular consequence: missense variant.
Genome position (GRCh38, 1-based): chr15:100,048,971, G>A on the plus strand (C>T on the coding strand, the complement: ADAMTS17 is on the minus strand). VCF-style: chr15-100048971-G-A. GRCh37 (hg19) VCF-style: chr15-100589176-G-A.
Other names: short protein forms S826L.
Identifiers: ClinVar variation 1403434 (VCV001403434.5), dbSNP rs532333138, ClinGen allele CA275473014.
Genomic context (GRCh38, chr15:100,048,971, plus strand): 5'-GCTTGAGGGCAGTCACTGTCGTTCACCAGAGTTGTGGTCTTGTTGACAATCCGTGTACAC[G>A]AGACGATGGTTCTGCGCTCCCCTGGAAACCAAACCACAGGGAGCTGAGAGACTGTGGCTG-3'
Protein context (NP_620688.2, residues 816-836): CGGGERRTIV[Ser826Leu]CTRIVNKTTT

ClinVar aggregate classification (germline): Uncertain significance (1 of 4 stars; one submission).

Allele frequency attached by ClinVar (database versions not stated): gnomAD exomes below 0.00001 and 0.00001; gnomAD 0.00001 and 0.00002.
gnomAD v4.1: 11 of 1,614,180 alleles (0.00068%); highest among the groups gnomAD compares: Admixed American, 0.005%; no homozygotes.

Submission:

Labcorp Genetics (formerly Invitae), Labcorp
Classification: Uncertain significance. Last evaluated: 2022-06-27. Review status: criteria provided, single submitter. Criteria: Invitae Variant Classification Sherloc (09022015). Collection method: clinical testing. Allele origin: germline.
Comment: This variant has not been reported in the literature in individuals affected with ADAMTS17-related conditions. In summary, the available evidence is currently insufficient to determine the role of this variant in disease. Therefore, it has been classified as a Variant of Uncertain Significance. Algorithms developed to predict the effect of missense changes on protein structure and function are either unavailable or do not agree on the potential impact of this missense change (SIFT: "Not Available"; PolyPhen-2: "Benign"; Align-GVGD: "Not Available"). This variant is present in population databases (rs532333138, gnomAD 0.008%). This sequence change replaces serine with leucine at codon 826 of the ADAMTS17 protein (p.Ser826Leu). The serine residue is highly conserved and there is a large physicochemical difference between serine and leucine.